The following is an entry in ClinVar:

ClinVar aggregate classification (germline): Uncertain significance (1 of 4 stars; one submission).

Submission:

Labcorp Genetics (formerly Invitae), Labcorp
Classification: Uncertain significance. Last evaluated: 2023-09-21. Review status: criteria provided, single submitter. Criteria: Invitae Variant Classification Sherloc (09022015). Collection method: clinical testing. Allele origin: germline.
Comment: Advanced modeling of protein sequence and biophysical properties (such as structural, functional, and spatial information, amino acid conservation, physicochemical variation, residue mobility, and thermodynamic stability) performed at Invitae indicates that this missense variant is expected to disrupt HUWE1 protein function. This variant has not been reported in the literature in individuals affected with HUWE1-related conditions. This variant is not present in population databases (gnomAD no frequency). This sequence change replaces histidine, which is basic and polar, with arginine, which is basic and polar, at codon 4025 of the HUWE1 protein (p.His4025Arg). In summary, the available evidence is currently insufficient to determine the role of this variant in disease. Therefore, it has been classified as a Variant of Uncertain Significance.

NM_031407.7(HUWE1):c.12074A>G (p.His4025Arg)

Gene: HUWE1 (HECT, UBA and WWE domain containing E3 ubiquitin protein ligase 1; minus strand). Cytogenetic location: Xp11.22.
Variant type: single nucleotide variant.
Coding change: c.12074A>G on transcript NM_031407.7 (MANE Select); coding-DNA position 12074, A replaced by G.
Protein change: p.His4025Arg; replaces histidine 4025 with arginine.
Molecular consequence: missense variant.
Genome position (GRCh38, 1-based): chrX:53,537,619, T>C on the plus strand (A>G on the coding strand, the complement: HUWE1 is on the minus strand). VCF-style: chrX-53537619-T-C. GRCh37 (hg19) VCF-style: chrX-53564580-T-C.
Other names: short protein forms H4025R.
Identifiers: ClinVar variation 2716329 (VCV002716329.3), dbSNP rs2522199914, ClinGen allele CA413155372.